The following is an entry in ClinVar:

ClinVar aggregate classification (germline): Pathogenic (1 of 4 stars; one submission).

Conditions:
Wilson disease (WND). Also called: Wilson's disease. Identifiers: Orphanet 905, MedGen C0019202, MONDO:0010200, OMIM 277900. Disease mechanism: loss of function.

Submission:

Myriad Genetics, Inc.
Classification: Pathogenic for Wilson disease. Last evaluated: 2023-08-06. Review status: criteria provided, single submitter. Criteria: Myriad Autosomal Dominant, Autosomal Recessive and X-Linked Classification Criteria (2023). Collection method: clinical testing. Allele origin: unknown.
Comment: NM_000053.3(ATP7B):c.3046G>T(E1016*) is expected to be pathogenic in the context of Wilson disease. This variant is predicted to lead to an abnormal or absent protein product due to the creation of a premature termination codon in ATP7B, a gene where loss-of-function variants are known to be pathogenic. Please note: this variant was assessed in the context of healthy population screening.

NM_000053.4(ATP7B):c.3046G>T (p.Glu1016Ter)

Gene: ATP7B (ATPase copper transporting beta; minus strand). Cytogenetic location: 13q14.3.
Variant type: single nucleotide variant.
Coding change: c.3046G>T on transcript NM_000053.4 (MANE Select); coding-DNA position 3046, G replaced by T.
Protein change: p.Glu1016Ter; replaces glutamic acid 1016 with a stop codon.
Molecular consequence: nonsense. On other transcripts: intron variant (6).
Genome position (GRCh38, 1-based): chr13:51,946,298, C>A on the plus strand (G>T on the coding strand, the complement: ATP7B is on the minus strand). VCF-style: chr13-51946298-C-A. GRCh37 (hg19) VCF-style: chr13-52520434-C-A.
Other names: c.2425G>T, p.Glu809Ter (NM_001005918.3); c.2713G>T, p.Glu905Ter (NM_001243182.2); c.2812G>T, p.Glu938Ter (NM_001330578.2, NM_001406527.1, NM_001406528.1 and 1 more transcripts); c.2794G>T, p.Glu932Ter (NM_001330579.2, NM_001406531.1, NM_001406532.1); c.3046G>T, p.Glu1016Ter (NM_001406511.1, NM_001406512.1, NM_001406513.1 and 2 more transcripts); c.3013G>T, p.Glu1005Ter (NM_001406514.1); c.2992G>T, p.Glu998Ter (NM_001406515.1, NM_001406516.1); c.2950G>T, p.Glu984Ter (NM_001406517.1, NM_001406518.1); and 18 more; short protein forms E1005*, E1016*, E586*, E800*, E809*, E822*, E854*, E873*.
Identifiers: ClinVar variation 5011241 (VCV005011241.1).